The following is an entry in ClinVar:

NM_001371727.1(GABRB2):c.907A>G (p.Lys303Glu)

Gene: GABRB2 (gamma-aminobutyric acid type A receptor subunit beta2; minus strand). Cytogenetic location: 5q34.
Variant type: single nucleotide variant.
Coding change: c.907A>G on transcript NM_001371727.1 (MANE Select); coding-DNA position 907, A replaced by G.
Protein change: p.Lys303Glu; replaces lysine 303 with glutamic acid.
Molecular consequence: missense variant.
Genome position (GRCh38, 1-based): chr5:161,331,053, T>C on the plus strand (A>G on the coding strand, the complement: GABRB2 is on the minus strand). VCF-style: chr5-161331053-T-C. GRCh37 (hg19) VCF-style: chr5-160758060-T-C.
Other names: c.907A>G, p.Lys303Glu (NM_000813.3, NM_021911.3); short protein forms K303E.
Identifiers: ClinVar variation 2002098 (VCV002002098.4), dbSNP rs2546555613, ClinGen allele CA362175368.

ClinVar aggregate classification (germline): Likely pathogenic (1 of 4 stars; one submission).

Conditions:
Intellectual disability. Also called: Intellectual functioning disability; intellectual disabilities; Intellectual developmental disorder. Identifiers: MedGen C3714756, MeSH D008607, MONDO:0001071, HP:0001249.

Submission:

Labcorp Genetics (formerly Invitae), Labcorp
Classification: Likely pathogenic for Intellectual disability. Last evaluated: 2023-11-27. Review status: criteria provided, single submitter. Criteria: Invitae Variant Classification Sherloc (09022015). Collection method: clinical testing. Allele origin: germline.
Comment: This sequence change replaces lysine, which is basic and polar, with glutamic acid, which is acidic and polar, at codon 303 of the GABRB2 protein (p.Lys303Glu). This variant is not present in population databases (gnomAD no frequency). This variant has not been reported in the literature in individuals affected with GABRB2-related conditions. ClinVar contains an entry for this variant (Variation ID: 2002098). Advanced modeling of protein sequence and biophysical properties (such as structural, functional, and spatial information, amino acid conservation, physicochemical variation, residue mobility, and thermodynamic stability) has been performed at Invitae for this missense variant, however the output from this modeling did not meet the statistical confidence thresholds required to predict the impact of this variant on GABRB2 protein function. This variant disrupts the p.Lys303 amino acid residue in GABRB2. Other variant(s) that disrupt this residue have been determined to be pathogenic (PMID: 29100083). This suggests that this residue is clinically significant, and that variants that disrupt this residue are likely to be disease-causing. In summary, the currently available evidence indicates that the variant is pathogenic, but additional data are needed to prove that conclusively. Therefore, this variant has been classified as Likely Pathogenic.

Literature cited by the submitters: PubMed 29100083.